The following is an entry in ClinVar:

NM_001042492.3(NF1):c.7901T>C (p.Phe2634Ser)

Gene: NF1 (neurofibromin 1; plus strand). Cytogenetic location: 17q11.2.
Variant type: single nucleotide variant.
Coding change: c.7901T>C on transcript NM_001042492.3 (MANE Select); coding-DNA position 7901, T replaced by C.
Protein change: p.Phe2634Ser; replaces phenylalanine 2634 with serine.
Molecular consequence: missense variant.
Genome position (GRCh38, 1-based): chr17:31,357,300, T>C. VCF-style: chr17-31357300-T-C. GRCh37 (hg19) VCF-style: chr17-29684318-T-C.
Other names: c.7838T>C, p.Phe2613Ser (NM_000267.4); short protein forms F2613S, F2634S.
Identifiers: ClinVar variation 638984 (VCV000638984.9), dbSNP rs756567782, ClinGen allele CA8487692.

ClinVar aggregate classification (germline): Uncertain significance. Review status: criteria provided, multiple submitters, no conflicts (2 of 4 stars). 2 submissions from 2 submitters: Uncertain significance (2). Last evaluated 2025-05-27.

Conditions:
Hereditary cancer-predisposing syndrome. Also called: Hereditary Cancer Syndrome; Neoplastic Syndromes, Hereditary; Tumor predisposition; Hereditary neoplastic syndrome. Identifiers: Orphanet 140162, MedGen C0027672, MeSH D009386, MONDO:0015356.
Cardiovascular phenotype. Identifiers: MedGen CN230736.
Neurofibromatosis, type 1 (NF1). Also called: NEUROFIBROMATOSIS, TYPE I, SOMATIC; VON RECKLINGHAUSEN DISEASE; Peripheral type neurofibromatosis; Neurofibromatosis, type I. Identifiers: Orphanet 636, MedGen C0027831, MONDO:0018975, OMIM 162200. Disease mechanism: loss of function.

Allele frequency attached by ClinVar (database versions not stated): gnomAD exomes below 0.00001 and 0.00001; ExAC 0.00002.
gnomAD v4.1: 5 of 1,614,066 alleles (0.00031%); highest among the groups gnomAD compares: Non-Finnish European, 0.00042%; no homozygotes.

Submissions (2):

Ambry Genetics
Classification: Uncertain significance for Cardiovascular phenotype; Hereditary cancer-predisposing syndrome. Last evaluated: 2025-05-27. Review status: criteria provided, single submitter. Criteria: Ambry Variant Classification Scheme 2023. Collection method: clinical testing. Allele origin: germline.
Comment: The p.F2613S variant (also known as c.7838T>C), located in coding exon 53 of the NF1 gene, results from a T to C substitution at nucleotide position 7838. The phenylalanine at codon 2613 is replaced by serine, an amino acid with highly dissimilar properties. This amino acid position is highly conserved in available vertebrate species. In addition, this alteration is predicted to be deleterious by in silico analysis. Based on the available evidence, the clinical significance of this variant remains unclear.

Labcorp Genetics (formerly Invitae), Labcorp
Classification: Uncertain significance for Neurofibromatosis, type 1. Last evaluated: 2024-05-21. Review status: criteria provided, single submitter. Criteria: Invitae Variant Classification Sherloc (09022015). Collection method: clinical testing. Allele origin: germline.
Comment: This sequence change replaces phenylalanine, which is neutral and non-polar, with serine, which is neutral and polar, at codon 2613 of the NF1 protein (p.Phe2613Ser). This variant is present in population databases (rs756567782, gnomAD 0.002%). This variant has not been reported in the literature in individuals affected with NF1-related conditions. ClinVar contains an entry for this variant (Variation ID: 638984). Advanced modeling of protein sequence and biophysical properties (such as structural, functional, and spatial information, amino acid conservation, physicochemical variation, residue mobility, and thermodynamic stability) performed at Invitae indicates that this missense variant is not expected to disrupt NF1 protein function with a negative predictive value of 95%. In summary, the available evidence is currently insufficient to determine the role of this variant in disease. Therefore, it has been classified as a Variant of Uncertain Significance.